The following is an entry in ClinVar:

NM_014055.4(IFT81):c.1206_1208del (p.Asn402del)

Gene: IFT81 (intraflagellar transport 81; plus strand). Cytogenetic location: 12q24.11.
Variant type: Deletion.
Coding change: c.1206_1208del on transcript NM_014055.4 (MANE Select); coding-DNA positions 1206 to 1208, 3 bases deleted (TAA; older notation c.1206_1208delTAA).
Protein change: p.Asn402del; deletes asparagine 402.
Molecular consequence: non-coding transcript variant (on NR_144949.2).
Genome position (GRCh38, 1-based): chr12:110,180,439-110,180,441, TAA deleted; deleting any 3 consecutive bases within chr12:110,180,437-110,180,441 gives the same sequence; the c. name uses the placement nearest the transcript's 3' end. VCF-style (leftmost placement, unchanged base first): chr12-110180436-CAAT-C. GRCh37 (hg19) VCF-style: chr12-110618241-CAAT-C.
Other names: c.1206_1208del, p.Asn402del (NM_001143779.2); c.276_278del, p.Asn92del (NM_001347947.2, NM_001347948.2); short protein forms N402del, N92del.
Identifiers: ClinVar variation 3544464 (VCV003544464.1).

ClinVar aggregate classification (germline): Likely pathogenic (1 of 4 stars; one submission).

Conditions:
Retinitis pigmentosa (RP). Identifiers: Orphanet 791, MedGen C0035334, MeSH D012174, MONDO:0019200, OMIM 268000. Inheritance: Autosomal dominant, autosomal recessive and X linked inheritance.
Cone-rod dystrophy. Also called: Cone-rod degeneration; Cone/cone-rod dystrophy. Identifiers: Orphanet 1872, MedGen C4085590, MONDO:0015993, HP:0000548.

Submission:

Lab De Baere, Eye and Developmental Genetics Lab, Ghent University
Classification: Likely pathogenic for Retinitis pigmentosa; Cone-rod dystrophy. Last evaluated: 2024-10-01. Review status: criteria provided, single submitter. Criteria: ACMG Guidelines, 2015. Collection method: research. Allele origin: inherited. Affected: yes. Observed: 1 variant allele.
Comment: ACMG/AMP guidelines: PM2, PM4_PP, PP1_PS, PM3_PP